The following is an entry in ClinVar:

ClinVar aggregate classification (germline): Pathogenic (1 of 4 stars; one submission).

Conditions:
Ataxia-telangiectasia syndrome (AT). Also called: Cerebello-oculocutaneous telangiectasia; Immunodeficiency with ataxia telangiectasia; LOUIS-BAR SYNDROME; ATAXIA-TELANGIECTASIA, COMPLEMENTATION GROUP A; ATAXIA-TELANGIECTASIA, FRESNO VARIANT; Ataxia-telangiectasia, complementation group D. Identifiers: Orphanet 100, MedGen C0004135, MONDO:0008840, OMIM 208900.

Submission:

Labcorp Genetics (formerly Invitae), Labcorp
Classification: Pathogenic for Ataxia-telangiectasia syndrome. Last evaluated: 2022-05-13. Review status: criteria provided, single submitter. Criteria: Invitae Variant Classification Sherloc (09022015). Collection method: clinical testing. Allele origin: germline.
Comment: This sequence change creates a premature translational stop signal (p.Pro1112Leufs*2) in the ATM gene. It is expected to result in an absent or disrupted protein product. Loss-of-function variants in ATM are known to be pathogenic (PMID: 23807571, 25614872). For these reasons, this variant has been classified as Pathogenic. This variant has not been reported in the literature in individuals affected with ATM-related conditions. This variant is not present in population databases (gnomAD no frequency).

Literature cited by the submitters: PubMed 23807571; PubMed 25614872.

NM_000051.4(ATM):c.3335del (p.Pro1112fs)

Gene: ATM (ATM serine/threonine kinase; plus strand). Cytogenetic location: 11q22.3.
Variant type: Deletion.
Coding change: c.3335del on transcript NM_000051.4 (MANE Select); coding-DNA position 3335, one base deleted (C; older notation c.3335delC).
Protein change: p.Pro1112fs; shifts the reading frame from proline 1112.
Molecular consequence: frameshift variant.
Genome position (GRCh38, 1-based): chr11:108,279,541, C deleted; the last of 2 consecutive C bases (chr11:108,279,540-108,279,541); deleting either gives the same sequence. VCF-style (leftmost placement, unchanged base first): chr11-108279539-TC-T. GRCh37 (hg19) VCF-style: chr11-108150266-TC-T.
Other names: c.3335del, p.Pro1112fs (NM_001351834.2); short protein forms P1112fs.
Identifiers: ClinVar variation 1383241 (VCV001383241.6), dbSNP rs876660031, ClinGen allele CA2573146419.